The following is an entry in ClinVar:

NM_014141.6(CNTNAP2):c.3698T>C (p.Leu1233Pro)

Gene: CNTNAP2 (contactin associated protein 2; plus strand). Cytogenetic location: 7q36.1.
Variant type: single nucleotide variant.
Coding change: c.3698T>C on transcript NM_014141.6 (MANE Select); coding-DNA position 3698, T replaced by C.
Protein change: p.Leu1233Pro; replaces leucine 1233 with proline.
Molecular consequence: missense variant.
Genome position (GRCh38, 1-based): chr7:148,383,871, T>C. VCF-style: chr7-148383871-T-C. GRCh37 (hg19) VCF-style: chr7-148080963-T-C.
Other names: short protein forms L1233P.
Identifiers: ClinVar variation 1033664 (VCV001033664.1), dbSNP rs1799130762, ClinGen allele CA369705064.
Genomic context (GRCh38, chr7:148,383,871, plus strand): 5'-ACTGCGGGGCCTCGCCGCTGACCCTCTCCCCCATGTCGTCCGCCACCGACCCCTGGCACC[T>C]GGATCACCTGGATTCAGGTAAAGTCTTCAGCAACCTCAGGCAGGTTGCTTCATTTCTTTA-3'
Protein context (NP_054860.1, residues 1223-1243): PMSSATDPWH[Leu1233Pro]DHLDSASADF

ClinVar aggregate classification (germline): Uncertain significance (1 of 4 stars; one submission).

Conditions:
Cortical dysplasia-focal epilepsy syndrome (PTHSL1). Also called: Pitt-Hopkins-like syndrome 1. Identifiers: Orphanet 163681, Orphanet 221150, MedGen C2750246, MONDO:0012400, OMIM 610042.

Submission:

Baylor Genetics
Classification: Uncertain significance for Cortical dysplasia-focal epilepsy syndrome. Last evaluated: 2018-08-27. Review status: criteria provided, single submitter. Criteria: ACMG Guidelines, 2015. Collection method: clinical testing. Allele origin: unknown. Affected: yes.
Comment: This variant was determined to be of uncertain significance according to ACMG Guidelines, 2015 [PMID:25741868].